The following is an entry in ClinVar:

ClinVar aggregate classification (germline): Likely benign. Review status: criteria provided, multiple submitters, no conflicts (2 of 4 stars). 3 submissions from 3 submitters: Likely benign (3). Last evaluated 2025-05-25.

Conditions:
Cardiomyopathy (CMYO). Also called: Cardiomyopathies. Identifiers: Orphanet 167848, MedGen C0878544, MONDO:0004994, HP:0001638. Inheritance: Various modes of inheritance.
Hypertrophic cardiomyopathy. Also called: HYPERTROPHIC MYOCARDIOPATHY. Identifiers: Orphanet 217569, MedGen C0007194, MeSH D002312, MONDO:0005045, HP:0001639.

Allele frequency attached by ClinVar (database versions not stated): gnomAD exomes below 0.00001.
gnomAD v4.1: 5 of 1,601,062 alleles (0.00031%); highest among the groups gnomAD compares: Non-Finnish European, 0.00043%; no homozygotes.

Submissions (3):

Labcorp Genetics (formerly Invitae), Labcorp
Classification: Likely benign for Hypertrophic cardiomyopathy. Last evaluated: 2025-05-25. Review status: criteria provided, single submitter. Criteria: Invitae Variant Classification Sherloc (09022015). Collection method: clinical testing. Allele origin: germline.

All of Us Research Program, National Institutes of Health
Classification: Likely benign for Hypertrophic cardiomyopathy. Last evaluated: 2023-11-20. Review status: criteria provided, single submitter. Criteria: ACMG Guidelines, 2015. Collection method: clinical testing. Allele origin: germline. Inheritance: Autosomal dominant inheritance. Observed: 2 variant alleles, 2 heterozygotes.
Comment: This study involves interpretation of variants in research participants for the purpose of population health screening. Participant phenotype was not available at the time of variant classification. Additional details can be found in publication PMID: 35346344, PMCID: PMC8962531

Color Diagnostics, LLC DBA Color Health
Classification: Likely benign for Cardiomyopathy. Last evaluated: 2022-05-05. Review status: criteria provided, single submitter. Criteria: ACMG Guidelines, 2015. Collection method: clinical testing. Allele origin: germline.

NM_000256.3(MYBPC3):c.186A>G (p.Thr62=)

Gene: MYBPC3 (myosin binding protein C3; minus strand). Cytogenetic location: 11p11.2.
Variant type: single nucleotide variant.
Coding change: c.186A>G on transcript NM_000256.3 (MANE Select); coding-DNA position 186, A replaced by G.
Protein change: p.Thr62=; no amino-acid change (threonine 62 retained).
Molecular consequence: synonymous variant.
Genome position (GRCh38, 1-based): chr11:47,351,345, T>C on the plus strand (A>G on the coding strand, the complement: MYBPC3 is on the minus strand). VCF-style: chr11-47351345-T-C. GRCh37 (hg19) VCF-style: chr11-47372896-T-C.
Identifiers: ClinVar variation 3075557 (VCV003075557.2), dbSNP rs1430544990, ClinGen allele CA474429690.